The following is an entry in ClinVar:

ClinVar aggregate classification (germline): Uncertain significance (1 of 4 stars; one submission).

Submission:

GeneDx
Classification: Uncertain significance. Last evaluated: 2016-02-08. Review status: criteria provided, single submitter. Criteria: GeneDx Variant Classification (06012015). Collection method: clinical testing. Allele origin: germline. Affected: yes.
Comment: This in-frame deletion of three nucleotides in ATM is denoted c.7068_7070delCAT at the cDNA level and p.Ile2356del (I2356del) at the protein level. The normal sequence, with the bases that are deleted in braces, is TCAT[CAT]GCAG. This deletion results in the loss of a single Isoleucine residue at a position that is conserved across species and is within the FAT domain (Tavtigian 2009, Stracker 2013). This variant has not, to our knowledge, been published in the literature as pathogenic or benign. Since in-frame deletions may or may not inhibit proper protein functioning, the clinical significance of this finding remains unclear at this time and we consider ATM Ile2356del to be a variant of uncertain significance.

NM_000051.4(ATM):c.7065CAT[1] (p.Ile2356del)

Genes: C11orf65 (chromosome 11 open reading frame 65; minus strand), ATM (ATM serine/threonine kinase; plus strand). Cytogenetic location: 11q22.3.
Variant type: Microsatellite.
Coding change: c.7065CAT[1] on transcript NM_000051.4 (MANE Select); one copy of the 3-base unit CAT starting at c.7065; the reference has two copies in a row; one copy, 3 bases deleted.
Protein change: p.Ile2356del; deletes isoleucine 2356.
Molecular consequence: inframe deletion. On other transcripts: inframe indel (1), intron variant (2).
Genome position (GRCh38, 1-based): chr11:108,327,737-108,327,739, CAT deleted; deleting any 3 consecutive bases within chr11:108,327,733-108,327,739 gives the same sequence; the position shown is the placement nearest the transcript's 3' end. VCF-style (leftmost placement, unchanged base first): chr11-108327732-GTCA-G. GRCh37 (hg19) VCF-style: chr11-108198459-GTCA-G.
Other names: c.7068_7070delCAT (NM_000051.3); c.7065CAT[1], p.Ile2356del (NM_001351834.2); c.641-18664_641-18662del (NM_001330368.2); c.*38+7485_*38+7487del (NM_001351110.2); short protein forms I2356del.
Identifiers: ClinVar variation 246356 (VCV000246356.4), dbSNP rs879254220, ClinGen allele CA10584362.
Genomic context (GRCh38, chr11:108,327,732, plus strand): 5'-ACAGAATGTCTGAGGGTTTGTGGCAACTGGTTAGCAGAAACGTGCTTAGAAAATCCTGCG[GTCA>G]TCATGCAGACCTATCTAGAAAAGGTAAGATTTTTGGAGCAACCCTTAAGATAGTTACTTA-3'